The following is an entry in ClinVar:

NM_000175.5(GPI):c.909+5G>A

Gene: GPI (glucose-6-phosphate isomerase; plus strand). Cytogenetic location: 19q13.11.
Variant type: single nucleotide variant.
Coding change: c.909+5G>A on transcript NM_000175.5 (MANE Select); 5 bases into the intron after coding-DNA position 909, G replaced by A.
Molecular consequence: intron variant.
Genome position (GRCh38, 1-based): chr19:34,393,776, G>A. VCF-style: chr19-34393776-G-A. GRCh37 (hg19) VCF-style: chr19-34884681-G-A.
Other names: c.1026+5G>A (NM_001289789.1); c.942+5G>A (NM_001184722.1); c.909+5G>A (NM_001329909.1, NM_001329910.1, NM_001329911.2); c.825+5G>A (NM_001289790.3).
Identifiers: ClinVar variation 1478415 (VCV001478415.10), dbSNP rs2145421309, ClinGen allele CA2573156240.

ClinVar aggregate classification (germline): Uncertain significance. Review status: criteria provided, multiple submitters, no conflicts (2 of 4 stars). 2 submissions from 2 submitters: Uncertain significance (2). Last evaluated 2022-09-08.

Submissions (2):

Labcorp Genetics (formerly Invitae), Labcorp
Classification: Uncertain significance. Last evaluated: 2022-09-08. Review status: criteria provided, single submitter. Criteria: Invitae Variant Classification Sherloc (09022015). Collection method: clinical testing. Allele origin: germline.
Comment: In summary, the available evidence is currently insufficient to determine the role of this variant in disease. Therefore, it has been classified as a Variant of Uncertain Significance. Variants that disrupt the consensus splice site are a relatively common cause of aberrant splicing (PMID: 17576681, 9536098). Algorithms developed to predict the effect of sequence changes on RNA splicing suggest that this variant may disrupt the consensus splice site. ClinVar contains an entry for this variant (Variation ID: 1478415). This variant has not been reported in the literature in individuals affected with GPI-related conditions. This variant is not present in population databases (gnomAD no frequency). This sequence change falls in intron 11 of the GPI gene. It does not directly change the encoded amino acid sequence of the GPI protein. It affects a nucleotide within the consensus splice site.

Mayo Clinic Laboratories, Mayo Clinic
Classification: Uncertain significance. Last evaluated: 2021-07-20. Review status: criteria provided, single submitter. Criteria: ACMG Guidelines, 2015. Collection method: clinical testing. Allele origin: germline.

Literature cited by the submitters: PubMed 17576681 (cited by Labcorp Genetics (formerly Invitae), Labcorp); PubMed 9536098 (cited by Labcorp Genetics (formerly Invitae), Labcorp).